The following is an entry in ClinVar:

ClinVar aggregate classification (germline): Uncertain significance (1 of 4 stars; one submission).

Conditions:
Actin accumulation myopathy (CMYO2A). Also called: Myopathy, actin, congenital, with cores; Nemaline myopathy 3, with intranuclear rods; Nemaline myopathy type 3; Myopathy, actin, congenital, with excess of thin myofilaments; CONGENITAL MYOPATHY 2A, TYPICAL, AUTOSOMAL DOMINANT. Identifiers: Orphanet 98904, MedGen C3711389, MONDO:0008070, OMIM 161800.

Submission:

Labcorp Genetics (formerly Invitae), Labcorp
Classification: Uncertain significance for Actin accumulation myopathy. Last evaluated: 2023-12-30. Review status: criteria provided, single submitter. Criteria: Invitae Variant Classification Sherloc (09022015). Collection method: clinical testing. Allele origin: germline.
Comment: This sequence change falls in intron 2 of the ACTA1 gene. It does not directly change the encoded amino acid sequence of the ACTA1 protein. This variant is not present in population databases (gnomAD no frequency). This variant has not been reported in the literature in individuals affected with ACTA1-related conditions. Algorithms developed to predict the effect of sequence changes on RNA splicing suggest that this variant may disrupt the consensus splice site. In summary, the available evidence is currently insufficient to determine the role of this variant in disease. Therefore, it has been classified as a Variant of Uncertain Significance.

NM_001100.4(ACTA1):c.130-11C>A

Gene: ACTA1 (actin alpha 1, skeletal muscle; minus strand). Cytogenetic location: 1q42.13.
Variant type: single nucleotide variant.
Coding change: c.130-11C>A on transcript NM_001100.4 (MANE Select); 11 bases into the intron before coding-DNA position 130, C replaced by A.
Molecular consequence: intron variant.
Genome position (GRCh38, 1-based): chr1:229,432,891, G>T on the plus strand (C>A on the coding strand, the complement: ACTA1 is on the minus strand). VCF-style: chr1-229432891-G-T. GRCh37 (hg19) VCF-style: chr1-229568638-G-T.
Identifiers: ClinVar variation 2706465 (VCV002706465.3), dbSNP rs202159198, ClinGen allele CA2697554961.